The following is an entry in ClinVar:

NM_000388.4(CASR):c.*1235A>G

Gene: CASR (calcium sensing receptor; plus strand). Cytogenetic location: 3q21.1.
Variant type: single nucleotide variant.
Coding change: c.*1235A>G on transcript NM_000388.4 (MANE Select); 1235 bases downstream of the stop codon, A replaced by G.
Molecular consequence: 3 prime UTR variant.
Genome position (GRCh38, 1-based): chr3:122,286,426, A>G. VCF-style: chr3-122286426-A-G. GRCh37 (hg19) VCF-style: chr3-122005273-A-G.
Other names: c.*1235A>G (NM_001178065.2).
Identifiers: ClinVar variation 342822 (VCV000342822.6), dbSNP rs34042920, ClinGen allele CA10614618.

ClinVar aggregate classification (germline): Benign. Review status: criteria provided, multiple submitters, no conflicts (2 of 4 stars). 5 submissions from 2 submitters: Benign (5). Last evaluated 2018-01-13.

Conditions:
Familial hypocalciuric hypercalcemia 1. Also called: Hypercalcemia, familial benign type 1. Identifiers: Orphanet 405, Orphanet 93372, MedGen C0342637, MONDO:0007791, OMIM 145980.
Familial hypoparathyroidism. Also called: Familial isolated hypoparathyroidism. Identifiers: Orphanet 2238, MedGen C1832648, MONDO:0016390.
Autosomal dominant hypocalcemia 1 (HYPOC1). Also called: HYPOCALCEMIA, FAMILIAL. Identifiers: MedGen C3715128, MONDO:0011013, OMIM 601198.
Neonatal severe primary hyperparathyroidism. Identifiers: Orphanet 417, MedGen C1832615, MONDO:0009397, OMIM 239200.

Allele frequency attached by ClinVar (database versions not stated): 1000 Genomes Project 0.03075; 1000 Genomes Project 30x 0.03139; TOPMed 0.06305; gnomAD 0.06605 and 0.06757.

Submissions (5):

Illumina Laboratory Services, Illumina
Classification: Benign for Neonatal severe primary hyperparathyroidism. Last evaluated: 2018-01-13. Review status: criteria provided, single submitter. Criteria: ICSL Variant Classification Criteria 13 December 2019. Collection method: clinical testing. Allele origin: germline.
Comment: This variant was observed in the ICSL laboratory as part of a predisposition screen in an ostensibly healthy population. It had not been previously curated by ICSL or reported in the Human Gene Mutation Database (HGMD: prior to June 1st, 2018), and was therefore a candidate for classification through an automated scoring system. Utilizing variant allele frequency, disease prevalence and penetrance estimates, and inheritance mode, an automated score was calculated to assess if this variant is too frequent to cause the disease. Based on the score and internal cut-off values, a variant classified as benign is not then subjected to further curation. The score for this variant resulted in a classification of benign for this disease.

Illumina Laboratory Services, Illumina
Classification: Benign for Autosomal dominant hypocalcemia 1. Last evaluated: 2018-01-13. Review status: criteria provided, single submitter. Criteria: ICSL Variant Classification Criteria 13 December 2019. Collection method: clinical testing. Allele origin: germline.
Comment: the same text as in the submission from Illumina Laboratory Services, Illumina above.

Illumina Laboratory Services, Illumina
Classification: Benign for Familial hypocalciuric hypercalcemia 1. Last evaluated: 2018-01-13. Review status: criteria provided, single submitter. Criteria: ICSL Variant Classification Criteria 13 December 2019. Collection method: clinical testing. Allele origin: germline.
Comment: the same text as in the submission from Illumina Laboratory Services, Illumina above.

Illumina Laboratory Services, Illumina
Classification: Benign for Familial isolated hypoparathyroidism. Last evaluated: 2018-01-13. Review status: criteria provided, single submitter. Criteria: ICSL Variant Classification Criteria 13 December 2019. Collection method: clinical testing. Allele origin: germline.
Comment: the same text as in the submission from Illumina Laboratory Services, Illumina above.

Breakthrough Genomics
Classification: Benign. Review status: criteria provided, single submitter. Criteria: ACMG Guidelines, 2015. Collection method: not provided. Allele origin: germline. Inheritance: Autosomal recessive inheritance. Affected: yes.